The following is an entry in ClinVar:

NM_000260.4(MYO7A):c.1881C>G (p.Ala627=)

Gene: MYO7A (myosin VIIA; plus strand). Cytogenetic location: 11q13.5.
Variant type: single nucleotide variant.
Coding change: c.1881C>G on transcript NM_000260.4 (MANE Select); coding-DNA position 1881, C replaced by G.
Protein change: p.Ala627=; no amino-acid change (alanine 627 retained).
Molecular consequence: synonymous variant.
Genome position (GRCh38, 1-based): chr11:77,172,831, C>G. VCF-style: chr11-77172831-C-G. GRCh37 (hg19) VCF-style: chr11-76883877-C-G.
Other names: c.1881C>G (NM_000260.3); c.1881C>G, p.Ala627= (NM_001127180.2); c.1848C>G, p.Ala616= (NM_001369365.1).
Identifiers: ClinVar variation 1663677 (VCV001663677.10), dbSNP rs908932600, ClinGen allele CA224836150.

ClinVar aggregate classification (germline): Likely benign. Review status: criteria provided, single submitter (1 of 4 stars). 2 submissions from 2 submitters: Likely benign (1). 1 of the submissions does not count toward it. Last evaluated 2025-12-03.

Conditions:
MYO7A-related disorder. Also called: MYO7A-related disorders.

Allele frequency attached by ClinVar (database versions not stated): gnomAD 0.00001.
gnomAD v4.1: 9 of 1,552,476 alleles (0.00058%); highest among the groups gnomAD compares: Non-Finnish European, 0.00078%; no homozygotes.

Submissions (2):

Labcorp Genetics (formerly Invitae), Labcorp
Classification: Likely benign. Last evaluated: 2025-12-03. Review status: criteria provided, single submitter. Criteria: Invitae Variant Classification Sherloc (09022015). Collection method: clinical testing. Allele origin: germline.

PreventionGenetics, part of Exact Sciences
Classification: Likely benign for MYO7A-related condition. Last evaluated: 2023-11-21. Review status: no assertion criteria provided. Collection method: clinical testing. Allele origin: germline. Not counted in ClinVar's aggregate classification.
Comment: This variant is classified as likely benign based on ACMG/AMP sequence variant interpretation guidelines (Richards et al. 2015 PMID: 25741868, with internal and published modifications).